The following is an entry in ClinVar:

NM_001290043.2(TAP2):c.37C>G (p.Leu13Val)

Gene: TAP2 (transporter 2, ATP binding cassette subfamily B member; minus strand). Cytogenetic location: 6p21.32.
Variant type: single nucleotide variant.
Coding change: c.37C>G on transcript NM_001290043.2 (MANE Select); coding-DNA position 37, C replaced by G.
Protein change: p.Leu13Val; replaces leucine 13 with valine.
Molecular consequence: missense variant.
Genome position (GRCh38, 1-based): chr6:32,838,197, G>C on the plus strand (C>G on the coding strand, the complement: TAP2 is on the minus strand). VCF-style: chr6-32838197-G-C. GRCh37 (hg19) VCF-style: chr6-32805974-G-C.
Other names: c.37C>G, p.Leu13Val (NM_000544.3, NM_018833.3); short protein forms L13V.
Identifiers: ClinVar variation 1390819 (VCV001390819.3), dbSNP rs2127368475, ClinGen allele CA363587610.
Genomic context (GRCh38, chr6:32,838,197, plus strand): 5'-GAGGAAGCAAAGTCCCCAGAGGGCCCTGAAGCAGCCACAGTAAAGCCGCGTCCACCAGCA[G>C]CAGGGAGGTCCAGGGTCTCAGGTCAGGGAGCCGCATGGCTCTGTCAACGGATACGAGATG-3'
Protein context (NP_001276972.1, residues 3-23): LPDLRPWTSL[Leu13Val]LVDAALLWLL

ClinVar aggregate classification (germline): Uncertain significance (1 of 4 stars; one submission).

Conditions:
MHC class I deficiency. Identifiers: Orphanet 34592, MedGen C6024714, MONDO:0011476.

Submission:

Labcorp Genetics (formerly Invitae), Labcorp
Classification: Uncertain significance for MHC class I deficiency 1. Last evaluated: 2021-11-02. Review status: criteria provided, single submitter. Criteria: Invitae Variant Classification Sherloc (09022015). Collection method: clinical testing. Allele origin: germline.
Comment: This sequence change replaces leucine, which is neutral and non-polar, with valine, which is neutral and non-polar, at codon 13 of the TAP2 protein (p.Leu13Val). This variant is not present in population databases (gnomAD no frequency). This variant has not been reported in the literature in individuals affected with TAP2-related conditions. Algorithms developed to predict the effect of missense changes on protein structure and function are either unavailable or do not agree on the potential impact of this missense change (SIFT: "Deleterious"; PolyPhen-2: "Not Available"; Align-GVGD: "Class C0"). In summary, the available evidence is currently insufficient to determine the role of this variant in disease. Therefore, it has been classified as a Variant of Uncertain Significance.